The following is an entry in ClinVar:

ClinVar aggregate classification (germline): Conflicting classifications of pathogenicity. Review status: criteria provided, conflicting classifications (1 of 4 stars). 3 submissions from 3 submitters: Uncertain significance (2); Likely benign (1). Last evaluated 2024-04-12.

Conditions:
Hereditary breast ovarian cancer syndrome. Also called: Hereditary breast and/or ovarian cancer syndrome; BRCA1- and BRCA2-Associated Hereditary Breast and Ovarian Cancer; Hereditary breast and ovarian cancer syndrome; Hereditary breast and ovarian cancer; Hereditary breast and ovarian cancer syndrome (HBOC); Breast and ovarian cancer. Identifiers: Orphanet 145, MedGen C0677776, MeSH D061325, MONDO:0003582. Disease mechanism: loss of function.
Breast-ovarian cancer, familial, susceptibility to, 1 (BROVCA1). Also called: BRCA1 Hereditary Breast and Ovarian Cancer; OVARIAN CANCER, SUSCEPTIBILITY TO. Identifiers: Orphanet 145, MedGen C2676676, MONDO:0011450, OMIM 604370. Disease mechanism: loss of function.

Submissions (4):

Lupski Lab, Baylor-Hopkins CMG, Baylor College of Medicine
Classification: Likely benign for Breast-ovarian cancer, familial, susceptibility to, 1. Last evaluated: 2024-04-12. Review status: criteria provided, single submitter. Criteria: Dawood et al. (medRxiv. 2024). Collection method: curation. Allele origin: germline.
Comment: Each variant was annotated with functional scores from MAVE data which was translated into functional evidence codes. All other evidence codes and combining criteria were adhered to as closely as possible based on the ClinGen VCEP (Variant Curation Expert Panel) gene-specific recommendations. See Supplemental Figure 34 of final paper (Supp Fig. 28 in preprint: doi:10.1101/2024.04.11.24305690) for a table to see which lines of evidence we did not have data for. The ClinGen VCEPs are highly regarded as the gold-standard for gene-specific variant curation and are developed after extensive evaluation of the evidence by clinical and scientific experts for the particular gene to classify genomic variants on a spectrum from pathogenic to benign using the 2015 ACMG/AMP Variant Interpretation Guidelines as a backbone (PMID: 25741868). Reclassification of these VUS variants from gnomAD or All of Us focused only on variants originally prescribed as VUS in ClinVar. To ensure reproducibility, transparency, and increased throughput, all the procedures for annotating variants and assigning evidence codes were codified using Python. All code has been made freely available and is linked in the Code Availability section and all reclassified variants with evidence codes used can be found in Tables S18-19 (preprint: doi:10.1101/2024.04.11.24305690). For the MAVE data, the clinical curation and clinical strength assignment as per the ClinGen recommendations in Brnich et al. (2020) (PMID: 31892348) for or against pathogenicity or benignity of each of these MAVE datasets utilized in this study were previously published in Fayer et al. (2021) (PMID: 34793697).In brief, for BRCA1 variants, if a variant was categorized as FUNC (functional), it was assigned BS3 evidence and no PS3 evidence, whereas if it was categorized as LOF (loss of function), the variant was assigned PS3 evidence and no BS3 evidence. Variants categorized as INT (intermediate) were left unannotated. For the BRCA1 combining criteria, greater than or equal to 1 criteria of strong benign evidence was enough to reclassify the VUS as Likely Benign. This variant GRCh38:17:43104913:G>C was assigned evidence codes ['BS3'] and an overall classification of Likely benign

All of Us Research Program, National Institutes of Health
Classification: Uncertain significance for Breast-ovarian cancer, familial, susceptibility to, 1. Last evaluated: 2023-05-15. Review status: criteria provided, single submitter. Criteria: ACMG Guidelines, 2015. Collection method: clinical testing. Allele origin: germline. Inheritance: Autosomal dominant inheritance. Observed: 1 variant allele, 1 heterozygote.
Comment: This missense variant replaces leucine with valine at codon 86 of the BRCA1 protein. Computational prediction is inconclusive regarding the impact of this variant on protein structure and function (internally defined REVEL score threshold 0.5 < inconclusive < 0.7, PMID: 27666373). To our knowledge, functional studies have not been reported for this variant. This variant has not been reported in individuals affected with hereditary cancer in the literature. This variant has not been identified in the general population by the Genome Aggregation Database (gnomAD). The available evidence is insufficient to determine the role of this variant in disease conclusively. Therefore, this variant is classified as a Variant of Uncertain Significance.

This study involves interpretation of variants in research participants for the purpose of population health screening. Participant phenotype was not available at the time of variant classification. Additional details can be found in publication PMID: 35346344, PMCID: PMC8962531

Labcorp Genetics (formerly Invitae), Labcorp
Classification: Uncertain significance for Hereditary breast ovarian cancer syndrome. Last evaluated: 2021-10-24. Review status: criteria provided, single submitter. Criteria: Invitae Variant Classification Sherloc (09022015). Collection method: clinical testing. Allele origin: germline.
Comment: This variant is not present in population databases (gnomAD no frequency). This variant has not been reported in the literature in individuals affected with BRCA1-related conditions. ClinVar contains an entry for this variant (Variation ID: 865336). Advanced modeling of protein sequence and biophysical properties (such as structural, functional, and spatial information, amino acid conservation, physicochemical variation, residue mobility, and thermodynamic stability) performed at Invitae indicates that this missense variant is not expected to disrupt BRCA1 protein function. Experimental studies have shown that this missense change does not substantially affect BRCA1 function (PMID: 30209399). Studies have shown that this variant is associated with altered splicing, but the impact on the resulting protein product is unknown (Invitae). In summary, the available evidence is currently insufficient to determine the role of this variant in disease. Therefore, it has been classified as a Variant of Uncertain Significance. This sequence change replaces leucine, which is neutral and non-polar, with valine, which is neutral and non-polar, at codon 86 of the BRCA1 protein (p.Leu86Val).

Brotman Baty Institute, University of Washington
No classification provided (evidence only). Condition: Breast-ovarian cancer, familial 1. Review status: no classification provided. Collection method: in vitro. Allele origin: not applicable. Functional consequence: functionally_normal. Not counted in ClinVar's aggregate classification.
ClinVar note: "not provided" was previously submitted as the classification for the variant. However, the classification appeared to be based only on an observation of functional data so it was converted to no classification on 2025-07-30.

Literature cited by the submitters: PubMed 39142283 (cited by Lupski Lab, Baylor-Hopkins CMG, Baylor College of Medicine); PubMed 34793697 (cited by Lupski Lab, Baylor-Hopkins CMG, Baylor College of Medicine); DOI 10.1101/2024.04.11.24305690 (cited by Lupski Lab, Baylor-Hopkins CMG, Baylor College of Medicine); PubMed 30209399 (cited by Labcorp Genetics (formerly Invitae), Labcorp).

NM_007294.4(BRCA1):c.256C>G (p.Leu86Val)

Gene: BRCA1 (BRCA1 DNA repair associated; minus strand). Cytogenetic location: 17q21.31.
Variant type: single nucleotide variant.
Coding change: c.256C>G on transcript NM_007294.4 (MANE Select); coding-DNA position 256, C replaced by G.
Protein change: p.Leu86Val; replaces leucine 86 with valine.
Molecular consequence: missense variant. On other transcripts: non-coding transcript variant (1).
Genome position (GRCh38, 1-based): chr17:43,104,913, G>C on the plus strand (C>G on the coding strand, the complement: BRCA1 is on the minus strand). VCF-style: chr17-43104913-G-C. GRCh37 (hg19) VCF-style: chr17-41256930-G-C.
Other names: c.46C>G, p.Leu16Val (NM_001407571.1, NM_001407853.1, NM_001407879.1 and 58 more transcripts); c.256C>G, p.Leu86Val (NM_001407581.1, NM_001407582.1, NM_001407583.1 and 168 more transcripts); c.178C>G, p.Leu60Val (NM_001407653.1, NM_001407654.1, NM_001407655.1 and 21 more transcripts); c.115C>G, p.Leu39Val (NM_001407692.1, NM_001407694.1, NM_001407695.1 and 99 more transcripts); c.-126C>G (NM_001407959.1, NM_001407960.1, NM_001407962.1 and 4 more transcripts); c.124C>G, p.Leu42Val (NM_001408451.1); short protein forms L86V, L39V, L16V, L42V, L60V.
Identifiers: ClinVar variation 865336 (VCV000865336.11), dbSNP rs2054684036, ClinGen allele CA10601642.